The following is an entry in ClinVar:

ClinVar aggregate classification (germline): Uncertain significance. Review status: criteria provided, multiple submitters, no conflicts (2 of 4 stars). 2 submissions from 2 submitters: Uncertain significance (2). Last evaluated 2025-07-08.

Conditions:
TTN-related disorder. Also called: TTN-related disorders; TTN-related condition; TTN-related disease.

gnomAD v4.1: 9 of 1,613,176 alleles (0.00056%); highest among the groups gnomAD compares: African/African-American, 0.011%; no homozygotes.

Submissions (2):

PreventionGenetics, part of Exact Sciences
Classification: Uncertain significance for TTN-related condition. Last evaluated: 2025-07-08. Review status: criteria provided, single submitter. Criteria: ACMG Guidelines, 2015. Collection method: clinical testing. Allele origin: germline.
Comment: The TTN c.62125C>T variant is predicted to result in the amino acid substitution p.Leu20709Phe. To our knowledge, this variant has not been reported in the literature. This variant is reported in 0.0065% of alleles in individuals of African descent in gnomAD. At this time, the clinical significance of this variant is uncertain due to the absence of conclusive functional and genetic evidence.

ARUP Laboratories, Molecular Genetics and Genomics, ARUP Laboratories
Classification: Uncertain significance. Last evaluated: 2023-12-07. Review status: criteria provided, single submitter. Criteria: ARUP Molecular Germline Variant Investigation Process 2024. Collection method: clinical testing. Allele origin: germline.
Comment: The TTN c.62125C>T; p.Leu20709Phe variant (rs371705537) is rare in the general population (<0.2% allele frequency in the Genome Aggregation Database) and has not been reported in the medical literature in association with dilated cardiomyopathy (DCM) or other TTN-related disease. The clinical relevance of rare missense variants in this gene, which are identified on average once per individual sequenced in affected populations (Herman 2012), is not well understood. Yet, evidence suggests that the vast majority of such missense variants do not contribute to the clinical outcome of DCM (Begay 2015). Thus, the clinical significance of the p.Leu20709Phe variant cannot be determined with certainty. Begay RL et al. Role of Titin Missense Variants in Dilated Cardiomyopathy. J Am Heart Assoc. 2015 Nov 13;4(11). PMID: 26567375. Herman DS et al. Truncations of titin causing dilated cardiomyopathy. N Engl J Med. 2012 Feb 16;366(7):619-28. PMID: 22335739.

NM_001267550.2(TTN):c.62125C>T (p.Leu20709Phe)

Genes: TTN (titin; minus strand), TTN-AS1 (TTN antisense RNA 1; plus strand). Cytogenetic location: 2q31.2.
Variant type: single nucleotide variant.
Coding change: c.62125C>T on transcript NM_001267550.2 (MANE Select); coding-DNA position 62125, C replaced by T.
Protein change: p.Leu20709Phe; replaces leucine 20709 with phenylalanine.
Molecular consequence: missense variant.
Genome position (GRCh38, 1-based): chr2:178,589,600, G>A on the plus strand (C>T on the coding strand, the complement: TTN is on the minus strand). VCF-style: chr2-178589600-G-A. GRCh37 (hg19) VCF-style: chr2-179454327-G-A.
Other names: c.57202C>T, p.Leu19068Phe (NM_001256850.1); c.34930C>T, p.Leu11644Phe (NM_003319.4); c.54421C>T, p.Leu18141Phe (NM_133378.4); c.35305C>T, p.Leu11769Phe (NM_133432.3); c.35506C>T, p.Leu11836Phe (NM_133437.4); short protein forms L11644F, L11769F, L11836F, L18141F, L19068F, L20709F.
Identifiers: ClinVar variation 3766457 (VCV003766457.2).